The following is an entry in ClinVar:

NM_053025.4(MYLK):c.2584G>C (p.Glu862Gln)

Gene: MYLK (myosin light chain kinase; minus strand). Cytogenetic location: 3q21.1.
Variant type: single nucleotide variant.
Coding change: c.2584G>C on transcript NM_053025.4 (MANE Select); coding-DNA position 2584, G replaced by C.
Protein change: p.Glu862Gln; replaces glutamic acid 862 with glutamine.
Molecular consequence: missense variant.
Genome position (GRCh38, 1-based): chr3:123,700,884, C>G on the plus strand (G>C on the coding strand, the complement: MYLK is on the minus strand). VCF-style: chr3-123700884-C-G. GRCh37 (hg19) VCF-style: chr3-123419731-C-G.
Other names: c.2056G>C, p.Glu686Gln (NM_001321309.2); c.2377G>C, p.Glu793Gln (NM_053026.4, NM_053028.4); c.2584G>C, p.Glu862Gln (NM_053027.4); short protein forms E862Q, E686Q, E793Q.
Identifiers: ClinVar variation 424220 (VCV000424220.10), dbSNP rs770667051, ClinGen allele CA068746.

ClinVar aggregate classification (germline): Conflicting classifications of pathogenicity. Review status: criteria provided, conflicting classifications (1 of 4 stars). 3 submissions from 3 submitters: Uncertain significance (2); Likely benign (1). Last evaluated 2025-02-27.

Conditions:
Aortic aneurysm, familial thoracic 7 (AAT7). Also called: AORTIC DISSECTION, FAMILIAL, WITH OR WITHOUT AORTIC ANEURYSM. Identifiers: MedGen C3151077, MONDO:0013418, OMIM 613780.
Familial thoracic aortic aneurysm and aortic dissection (TAAD). Also called: Thoracic aortic aneurysms and dissections. Identifiers: Orphanet 91387, MedGen C4707243, MONDO:0019625.

Allele frequency attached by ClinVar (database versions not stated): TOPMed 0.00001; ExAC 0.00001; gnomAD exomes 0.00001.
gnomAD v4.1: 5 of 1,613,150 alleles (0.00031%); highest among the groups gnomAD compares: Non-Finnish European, 0.00034%; no homozygotes.

Submissions (3):

Labcorp Genetics (formerly Invitae), Labcorp
Classification: Uncertain significance for Aortic aneurysm, familial thoracic 7. Last evaluated: 2025-02-27. Review status: criteria provided, single submitter. Criteria: Invitae Variant Classification Sherloc (09022015). Collection method: clinical testing. Allele origin: germline.
Comment: This sequence change replaces glutamic acid, which is acidic and polar, with glutamine, which is neutral and polar, at codon 862 of the MYLK protein (p.Glu862Gln). This variant is present in population databases (rs770667051, gnomAD 0.002%). This variant has not been reported in the literature in individuals affected with MYLK-related conditions. ClinVar contains an entry for this variant (Variation ID: 424220). Invitae Evidence Modeling of protein sequence and biophysical properties (such as structural, functional, and spatial information, amino acid conservation, physicochemical variation, residue mobility, and thermodynamic stability) indicates that this missense variant is not expected to disrupt MYLK protein function with a negative predictive value of 80%. In summary, the available evidence is currently insufficient to determine the role of this variant in disease. Therefore, it has been classified as a Variant of Uncertain Significance.

Ambry Genetics
Classification: Likely benign for Familial thoracic aortic aneurysm and aortic dissection. Last evaluated: 2024-12-11. Review status: criteria provided, single submitter. Criteria: Ambry Variant Classification Scheme 2023. Collection method: clinical testing. Allele origin: germline.

GeneDx
Classification: Uncertain significance. Last evaluated: 2018-06-11. Review status: criteria provided, single submitter. Criteria: GeneDx Variant Classification (06012015). Collection method: clinical testing. Allele origin: germline. Affected: yes.
Comment: The E862Q variant of uncertain significance in the MYLK gene has not been published as pathogenic or been reported as benign to our knowledge. This variant is not observed at a significant frequency in large population cohorts (Lek et al., 2016; 1000 Genomes Consortium et al., 2015; Exome Variant Server). The E862Q variant is a semi-conservative amino acid substitution, which may impact secondary protein structure as these residues differ in some properties. However, this substitution occurs at a position that is not conserved across species, and Glutamine is the wild-type amino acid at this position in at least one species. Furthermore, in silico analysis predicts this variant likely does not alter the protein structure/function.